The following is an entry in ClinVar:

NM_001077207.4(SEC31A):c.251A>G (p.Asp84Gly)

Gene: SEC31A (SEC31 homolog A, COPII coat complex component; minus strand). Cytogenetic location: 4q21.22.
Variant type: single nucleotide variant.
Coding change: c.251A>G on transcript NM_001077207.4 (MANE Select); coding-DNA position 251, A replaced by G.
Protein change: p.Asp84Gly; replaces aspartic acid 84 with glycine.
Molecular consequence: missense variant. On other transcripts: 5 prime UTR variant (1).
Genome position (GRCh38, 1-based): chr4:82,878,881, T>C on the plus strand (A>G on the coding strand, the complement: SEC31A is on the minus strand). VCF-style: chr4-82878881-T-C. GRCh37 (hg19) VCF-style: chr4-83800034-T-C.
Other names: NM_014933.3:c.251A>G; c.251A>G, p.Asp84Gly (NM_001077206.4, NM_001077208.4, NM_001300744.3 and 48 more transcripts); c.236A>G, p.Asp79Gly (NM_001191049.2, NM_001400212.1, NM_001400214.1); c.89A>G, p.Asp30Gly (NM_001400215.1); c.-96A>G (NM_001400224.1); short protein forms D30G, D79G, D84G.
Identifiers: ClinVar variation 1703166 (VCV001703166.7), dbSNP rs113368612, ClinGen allele CA2986947.

ClinVar aggregate classification (germline): Uncertain significance. Review status: criteria provided, multiple submitters, no conflicts (2 of 4 stars). 2 submissions from 2 submitters: Uncertain significance (2). Last evaluated 2024-11-13.

Allele frequency attached by ClinVar (database versions not stated): gnomAD 0.00001; ExAC 0.00002; gnomAD exomes 0.00002; TOPMed 0.00002.
gnomAD v4.1: 39 of 1,613,950 alleles (0.0024%); highest among the groups gnomAD compares: Middle Eastern, 0.05%; 1 homozygote.

Submissions (2):

Ambry Genetics
Classification: Uncertain significance. Last evaluated: 2024-11-13. Review status: criteria provided, single submitter. Criteria: Ambry Variant Classification Scheme 2023. Collection method: clinical testing. Allele origin: germline.

Greenwood Genetic Center Diagnostic Laboratories, Greenwood Genetic Center
Classification: Uncertain significance. Last evaluated: 2022-04-27. Review status: criteria provided, single submitter. Criteria: ACMG Guidelines, 2015. Collection method: clinical testing. Allele origin: germline. Affected: yes.
Comment: PM2